The following is an entry in ClinVar:

ClinVar aggregate classification (germline): Uncertain significance (1 of 4 stars; one submission).

Conditions:
Inborn genetic diseases. Identifiers: MedGen C0950123, MeSH D030342.

gnomAD v4.1: 7 of 1,613,888 alleles (0.00043%); highest among the groups gnomAD compares: South Asian, 0.0055%; no homozygotes.

Submission:

Ambry Genetics
Classification: Uncertain significance for Inborn genetic diseases. Last evaluated: 2026-05-20. Review status: criteria provided, single submitter. Criteria: Ambry Variant Classification Scheme 2023. Collection method: clinical testing. Allele origin: germline.
Comment: The c.3815A>C (p.Q1272P) alteration is located in exon 24 (coding exon 24) of the TCOF1 gene. This alteration results from a A to C substitution at nucleotide position 3815, causing the glutamine (Q) at amino acid position 1272 to be replaced by a proline (P). Based on data from gnomAD, the C allele has an overall frequency of <0.001% (1/251118) total alleles studied. The highest observed frequency was 0.003% (1/30616) of South Asian alleles. Based on insufficient or conflicting evidence, the clinical significance of this alteration remains unclear.

NM_001371623.1(TCOF1):c.3818A>C (p.Gln1273Pro)

Gene: TCOF1 (treacle ribosome biogenesis factor 1; plus strand). Cytogenetic location: 5q32.
Variant type: single nucleotide variant.
Coding change: c.3818A>C on transcript NM_001371623.1 (MANE Select); coding-DNA position 3818, A replaced by C.
Protein change: p.Gln1273Pro; replaces glutamine 1273 with proline.
Molecular consequence: missense variant.
Genome position (GRCh38, 1-based): chr5:150,396,315, A>C. VCF-style: chr5-150396315-A-C. GRCh37 (hg19) VCF-style: chr5-149775878-A-C.
Other names: c.3584A>C, p.Gln1195Pro (NM_000356.4, NM_001437406.1); c.3815A>C, p.Gln1272Pro (NM_001135243.2); c.3704A>C, p.Gln1235Pro (NM_001135244.2); c.3587A>C, p.Gln1196Pro (NM_001135245.2); c.3701A>C, p.Gln1234Pro (NM_001195141.2); short protein forms Q1195P, Q1196P, Q1234P, Q1235P, Q1272P, Q1273P.
Identifiers: ClinVar variation 4865402 (VCV004865402.1).